The following is an entry in ClinVar:

NM_003184.4(TAF2):c.2207T>G (p.Val736Gly)

Gene: TAF2 (TATA-box binding protein associated factor 2; minus strand). Cytogenetic location: 8q24.12.
Variant type: single nucleotide variant.
Coding change: c.2207T>G on transcript NM_003184.4 (MANE Select); coding-DNA position 2207, T replaced by G.
Protein change: p.Val736Gly; replaces valine 736 with glycine.
Molecular consequence: missense variant.
Genome position (GRCh38, 1-based): chr8:119,781,099, A>C on the plus strand (T>G on the coding strand, the complement: TAF2 is on the minus strand). VCF-style: chr8-119781099-A-C. GRCh37 (hg19) VCF-style: chr8-120793339-A-C.
Other names: c.2207T>G, p.Val736Gly (NM_001437338.1, NM_001437339.1, NM_001438084.1); short protein forms V736G.
Identifiers: ClinVar variation 5042038 (VCV005042038.1).

ClinVar aggregate classification (germline): Uncertain significance (1 of 4 stars; one submission).

Conditions:
Microcephaly-thin corpus callosum-intellectual disability syndrome (NEDFCF). Also called: NEURODEVELOPMENTAL DISORDER WITH FEEDING DIFFICULTIES, THIN CORPUS CALLOSUM, AND FOOT DEFORMITY; Intellectual developmental disorder, autosomal recessive 40. Identifiers: Orphanet 397951, MedGen C3810080, MONDO:0014273, OMIM 615599.

Submission:

Clinical Genetics Laboratory, University Hospital Schleswig-Holstein
Classification: Uncertain significance for Microcephaly-thin corpus callosum-intellectual disability syndrome. Last evaluated: 2025-04-15. Review status: criteria provided, single submitter. Criteria: ACMG Guidelines, 2015. Collection method: clinical testing. Allele origin: paternal. Affected: yes. Observed: 1 compound heterozygote.
Comment: ACMG criteria applied: PM2, PP3, PP2, PP4